The following is an entry in ClinVar:

NM_022089.4(ATP13A2):c.2006-1G>C

Gene: ATP13A2 (ATPase cation transporting 13A2; minus strand). Cytogenetic location: 1p36.13.
Variant type: single nucleotide variant.
Coding change: c.2006-1G>C on transcript NM_022089.4 (MANE Select); the canonical splice acceptor site of the intron before coding-DNA position 2006, G replaced by C.
Molecular consequence: splice acceptor variant.
Genome position (GRCh38, 1-based): chr1:16,992,130, C>G on the plus strand (G>C on the coding strand, the complement: ATP13A2 is on the minus strand). VCF-style: chr1-16992130-C-G. GRCh37 (hg19) VCF-style: chr1-17318625-C-G.
Other names: c.1991-1G>C (NM_001141974.3, NM_001141973.3).
Identifiers: ClinVar variation 2105467 (VCV002105467.4), dbSNP rs2523277815, ClinGen allele CA338245057.

ClinVar aggregate classification (germline): Likely pathogenic (1 of 4 stars; one submission).

Conditions:
Autosomal recessive spastic paraplegia type 78. Identifiers: Orphanet 513436, MedGen C5567893, MONDO:0014975, OMIM 617225.
Kufor-Rakeb syndrome (KRS). Also called: PARKINSON DISEASE 9, AUTOSOMAL RECESSIVE, JUVENILE-ONSET. Identifiers: Orphanet 306674, Orphanet 314632, MedGen C1847640, MONDO:0011706, OMIM 606693.

Submission:

Labcorp Genetics (formerly Invitae), Labcorp
Classification: Likely pathogenic for Kufor-Rakeb syndrome; Autosomal recessive spastic paraplegia type 78. Last evaluated: 2022-03-01. Review status: criteria provided, single submitter. Criteria: Invitae Variant Classification Sherloc (09022015). Collection method: clinical testing. Allele origin: germline.
Comment: In summary, the currently available evidence indicates that the variant is pathogenic, but additional data are needed to prove that conclusively. Therefore, this variant has been classified as Likely Pathogenic. Algorithms developed to predict the effect of sequence changes on RNA splicing suggest that this variant may disrupt the consensus splice site. This variant has not been reported in the literature in individuals affected with ATP13A2-related conditions. This variant is not present in population databases (gnomAD no frequency). This sequence change affects an acceptor splice site in intron 18 of the ATP13A2 gene. It is expected to disrupt RNA splicing. Variants that disrupt the donor or acceptor splice site typically lead to a loss of protein function (PMID: 16199547), and loss-of-function variants in ATP13A2 are known to be pathogenic (PMID: 16964263, 21696388).

Literature cited by the submitters: PubMed 16199547; PubMed 16964263; PubMed 21696388.